The following is an entry in ClinVar:

ClinVar aggregate classification (germline): Conflicting classifications of pathogenicity. Review status: criteria provided, conflicting classifications (1 of 4 stars). 2 submissions from 2 submitters: Pathogenic (1); Uncertain significance (1). Last evaluated 2023-12-27.

Conditions:
Fanconi anemia (FA). Also called: Fanconi's anemia. Identifiers: Orphanet 84, MedGen C0015625, MeSH D005199, MONDO:0019391.

Allele frequency attached by ClinVar (database versions not stated): TOPMed below 0.00001.

Submissions (2):

Labcorp Genetics (formerly Invitae), Labcorp
Classification: Uncertain significance for Fanconi anemia. Last evaluated: 2023-12-27. Review status: criteria provided, single submitter. Criteria: Invitae Variant Classification Sherloc (09022015). Collection method: clinical testing. Allele origin: germline.
Comment: This sequence change replaces serine, which is neutral and polar, with arginine, which is basic and polar, at codon 1094 of the FANCA protein (p.Ser1094Arg). This variant is not present in population databases (gnomAD no frequency). This variant has not been reported in the literature in individuals affected with FANCA-related conditions. ClinVar contains an entry for this variant (Variation ID: 1224498). Advanced modeling of protein sequence and biophysical properties (such as structural, functional, and spatial information, amino acid conservation, physicochemical variation, residue mobility, and thermodynamic stability) performed at Invitae indicates that this missense variant is not expected to disrupt FANCA protein function with a negative predictive value of 80%. In summary, the available evidence is currently insufficient to determine the role of this variant in disease. Therefore, it has been classified as a Variant of Uncertain Significance.

Dept. of Cytogenetics, ICMR- National Institute of Immunohaematology
Classification: Pathogenic for Fanconi anemia. Review status: criteria provided, single submitter. Criteria: ACMG Guidelines, 2015. Collection method: clinical testing. Allele origin: germline. Affected: yes. Observed: 1 variant allele.

NM_000135.4(FANCA):c.3282C>G (p.Ser1094Arg)

Gene: FANCA (FA complementation group A; minus strand). Cytogenetic location: 16q24.3.
Variant type: single nucleotide variant.
Coding change: c.3282C>G on transcript NM_000135.4 (MANE Select); coding-DNA position 3282, C replaced by G.
Protein change: p.Ser1094Arg; replaces serine 1094 with arginine.
Molecular consequence: missense variant.
Genome position (GRCh38, 1-based): chr16:89,748,725, G>C on the plus strand (C>G on the coding strand, the complement: FANCA is on the minus strand). VCF-style: chr16-89748725-G-C. GRCh37 (hg19) VCF-style: chr16-89815133-G-C.
Other names: c.3282C>G, p.Ser1094Arg (NM_001286167.3); short protein forms S1094R.
Identifiers: ClinVar variation 1224498 (VCV001224498.5), dbSNP rs761244757, ClinGen allele CA397486327.
Genomic context (GRCh38, chr16:89,748,725, plus strand): 5'-AGAGTTGACCAAGTGGAAGAACTGCTCGCATCTGGCAGTGATGGGCTGTTCTGCCTGGAA[G>C]CTGCTGCCGCAGAGGACAGACGAAGGCAGGCGGAGGAGGATCCTGGAAAGAAGGGGCTGT-3'
Protein context (NP_000126.2, residues 1084-1104): RLPSSVLCGS[Ser1094Arg]FQAEQPITAR